The following is an entry in ClinVar:

NM_004994.3(MMP9):c.638G>A (p.Gly213Asp)

Gene: MMP9 (matrix metallopeptidase 9; plus strand). Cytogenetic location: 20q13.12.
Variant type: single nucleotide variant.
Coding change: c.638G>A on transcript NM_004994.3 (MANE Select); coding-DNA position 638, G replaced by A.
Protein change: p.Gly213Asp; replaces glycine 213 with aspartic acid.
Molecular consequence: missense variant.
Genome position (GRCh38, 1-based): chr20:46,011,039, G>A. VCF-style: chr20-46011039-G-A. GRCh37 (hg19) VCF-style: chr20-44639678-G-A.
Other names: c.638G>A (NM_004994.2); short protein forms G213D.
Identifiers: ClinVar variation 2173153 (VCV002173153.6), dbSNP rs199602749, ClinGen allele CA9886460.

ClinVar aggregate classification (germline): Uncertain significance. Review status: criteria provided, multiple submitters, no conflicts (2 of 4 stars). 2 submissions from 2 submitters: Uncertain significance (2). Last evaluated 2025-11-03.

Allele frequency attached by ClinVar (database versions not stated): gnomAD exomes 0.00001; ExAC 0.00005; gnomAD 0.00014; TOPMed 0.00014; ESP Exome Variant Server 0.00015; 1000 Genomes Project 30x 0.00016; 1000 Genomes Project 0.00020.

Submissions (2):

Labcorp Genetics (formerly Invitae), Labcorp
Classification: Uncertain significance. Last evaluated: 2025-11-03. Review status: criteria provided, single submitter. Criteria: Invitae Variant Classification Sherloc (09022015). Collection method: clinical testing. Allele origin: germline.
Comment: This sequence change replaces glycine, which is neutral and non-polar, with aspartic acid, which is acidic and polar, at codon 213 of the MMP9 protein (p.Gly213Asp). This variant is present in population databases (rs199602749, gnomAD 0.05%). This variant has not been reported in the literature in individuals affected with MMP9-related conditions. ClinVar contains an entry for this variant (Variation ID: 2173153). Invitae Evidence Modeling of protein sequence and biophysical properties (such as structural, functional, and spatial information, amino acid conservation, physicochemical variation, residue mobility, and thermodynamic stability) has been performed for this missense variant. However, the output from this modeling did not meet the statistical confidence thresholds required to predict the impact of this variant on MMP9 protein function. In summary, the available evidence is currently insufficient to determine the role of this variant in disease. Therefore, it has been classified as a Variant of Uncertain Significance.

Ambry Genetics
Classification: Uncertain significance. Last evaluated: 2025-05-14. Review status: criteria provided, single submitter. Criteria: Ambry Variant Classification Scheme 2023. Collection method: clinical testing. Allele origin: germline.